The following is an entry in ClinVar:

NM_000487.6(ARSA):c.13del (p.Ala5fs)

Gene: ARSA (arylsulfatase A; minus strand). Cytogenetic location: 22q13.33.
Variant type: Deletion.
Coding change: c.13del on transcript NM_000487.6 (MANE Select); coding-DNA position 13, one base deleted (G; older notation c.13delG).
Protein change: p.Ala5fs; shifts the reading frame from alanine 5.
Molecular consequence: frameshift variant. On other transcripts: intron variant (2).
Genome position (GRCh38, 1-based): chr22:50,627,767, C deleted on the plus strand (G on the coding strand, the reverse complement: ARSA is on the minus strand); the first of 5 consecutive C bases (chr22:50,627,767-50,627,771); deleting any one gives the same sequence. VCF-style (leftmost placement, unchanged base first): chr22-50627766-GC-G. GRCh37 (hg19) VCF-style: chr22-51066194-GC-G.
Other names: c.13del, p.Ala5fs (NM_001085425.3, NM_001085426.3, NM_001085427.3); c.-35+224del (NM_001362782.2); c.-35+179del (NM_001085428.3); short protein forms A5fs.
Identifiers: ClinVar variation 1460113 (VCV001460113.7), dbSNP rs919125796, ClinGen allele CA325531720.

ClinVar aggregate classification (germline): Pathogenic. Review status: criteria provided, multiple submitters, no conflicts (2 of 4 stars). 2 submissions from 2 submitters: Pathogenic (2). Last evaluated 2022-05-04.

Conditions:
Metachromatic leukodystrophy (MLD). Also called: Arylsulfatase A Deficiency; Cerebral sclerosis diffuse metachromatic form; METACHROMATIC LEUKOENCEPHALOPATHY; SULFATIDE LIPIDOSIS; ARSA DEFICIENCY; CEREBROSIDE SULFATASE DEFICIENCY. Identifiers: Orphanet 512, MedGen C0023522, MONDO:0018868, OMIM 250100.

Submissions (2):

Mendelics
Classification: Pathogenic for Metachromatic leukodystrophy. Last evaluated: 2022-05-04. Review status: criteria provided, single submitter. Criteria: Mendelics Assertion Criteria 2019. Collection method: clinical testing. Allele origin: germline.

Labcorp Genetics (formerly Invitae), Labcorp
Classification: Pathogenic for Metachromatic leukodystrophy. Last evaluated: 2021-08-22. Review status: criteria provided, single submitter. Criteria: Invitae Variant Classification Sherloc (09022015). Collection method: clinical testing. Allele origin: germline.
Comment: For these reasons, this variant has been classified as Pathogenic. This premature translational stop signal has been observed in individual(s) with metachromatic leukodystrophy (PMID: 9888390). This variant is not present in population databases (ExAC no frequency). This sequence change creates a premature translational stop signal (p.Ala5Hisfs*23) in the ARSA gene. It is expected to result in an absent or disrupted protein product. Loss-of-function variants in ARSA are known to be pathogenic (PMID: 8962139, 10477432).

Literature cited by the submitters: PubMed 9888390 (cited by Labcorp Genetics (formerly Invitae), Labcorp); PubMed 8962139 (cited by Labcorp Genetics (formerly Invitae), Labcorp); PubMed 10477432 (cited by Labcorp Genetics (formerly Invitae), Labcorp).